The following is an entry in ClinVar:

ClinVar aggregate classification (germline): Uncertain significance (1 of 4 stars; one submission).

Conditions:
Hereditary cancer-predisposing syndrome. Also called: Hereditary Cancer Syndrome; Tumor predisposition; Hereditary neoplastic syndrome; Neoplastic Syndromes, Hereditary. Identifiers: Orphanet 140162, MedGen C0027672, MeSH D009386, MONDO:0015356.
Cardiovascular phenotype. Identifiers: MedGen CN230736.

gnomAD v4.1: 1 of 1,604,912 alleles (0.000062%); highest among the groups gnomAD compares: Non-Finnish European, 0.000085%; no homozygotes.

Submission:

Ambry Genetics
Classification: Uncertain significance for Cardiovascular phenotype; Hereditary cancer-predisposing syndrome. Last evaluated: 2024-11-07. Review status: criteria provided, single submitter. Criteria: Ambry Variant Classification Scheme 2023. Collection method: clinical testing. Allele origin: germline.
Comment: The p.P1442L variant (also known as c.4325C>T), located in coding exon 32 of the NF1 gene, results from a C to T substitution at nucleotide position 4325. The proline at codon 1442 is replaced by leucine, an amino acid with similar properties. This amino acid position is highly conserved in available vertebrate species. In addition, this alteration is predicted to be deleterious by in silico analysis. Based on the available evidence, the clinical significance of this variant remains unclear.

NM_001042492.3(NF1):c.4388C>T (p.Pro1463Leu)

Gene: NF1 (neurofibromin 1; plus strand). Cytogenetic location: 17q11.2.
Variant type: single nucleotide variant.
Coding change: c.4388C>T on transcript NM_001042492.3 (MANE Select); coding-DNA position 4388, C replaced by T.
Protein change: p.Pro1463Leu; replaces proline 1463 with leucine.
Molecular consequence: missense variant.
Genome position (GRCh38, 1-based): chr17:31,259,087, C>T. VCF-style: chr17-31259087-C-T. GRCh37 (hg19) VCF-style: chr17-29586105-C-T.
Other names: c.4325C>T, p.Pro1442Leu (NM_000267.4); short protein forms P1442L, P1463L.
Identifiers: ClinVar variation 3404817 (VCV003404817.1).
Genomic context (GRCh38, chr17:31,259,087, plus strand): 5'-TGTAGATACTTCAGAGTATTGCCAATCATGTTCTCTTCACAAAAGAAGAACATATGCGGC[C>T]TTTCAATGATTTTGTGAAAAGCAACTTTGATGCAGCACGCAGGTAATTTTCTTGCCACTT-3'
Protein context (NP_001035957.1, residues 1453-1473): VLFTKEEHMR[Pro1463Leu]FNDFVKSNFD